The following is an entry in ClinVar:

NM_001039570.3(KREMEN1):c.461G>A (p.Arg154Gln)

Gene: KREMEN1 (kringle containing transmembrane protein 1; plus strand). Cytogenetic location: 22q12.1.
Variant type: single nucleotide variant.
Coding change: c.461G>A on transcript NM_001039570.3 (MANE Select); coding-DNA position 461, G replaced by A.
Protein change: p.Arg154Gln; replaces arginine 154 with glutamine.
Molecular consequence: missense variant.
Genome position (GRCh38, 1-based): chr22:29,121,465, G>A. VCF-style: chr22-29121465-G-A. GRCh37 (hg19) VCF-style: chr22-29517453-G-A.
Other names: c.461G>A, p.Arg154Gln (NM_001039571.1, NM_032045.5); short protein forms R154Q.
Identifiers: ClinVar variation 2311905 (VCV002311905.3), dbSNP rs200023748, ClinGen allele CA10169978.

ClinVar aggregate classification (germline): Uncertain significance. Review status: criteria provided, multiple submitters, no conflicts (2 of 4 stars). 2 submissions from 2 submitters: Uncertain significance (2). Last evaluated 2025-05-27.

Conditions:
Inborn genetic diseases. Identifiers: MedGen C0950123, MeSH D030342.

Allele frequency attached by ClinVar (database versions not stated): ExAC 0.00005; gnomAD 0.00007; TOPMed 0.00010; ESP Exome Variant Server 0.00015.
gnomAD v4.1: 224 of 1,613,850 alleles (0.014%); highest among the groups gnomAD compares: Non-Finnish European, 0.018%; no homozygotes.

Submissions (2):

Labcorp Genetics (formerly Invitae), Labcorp
Classification: Uncertain significance. Last evaluated: 2025-05-27. Review status: criteria provided, single submitter. Criteria: Invitae Variant Classification Sherloc (09022015). Collection method: clinical testing. Allele origin: germline.
Comment: This sequence change replaces arginine, which is basic and polar, with glutamine, which is neutral and polar, at codon 154 of the KREMEN1 protein (p.Arg154Gln). This variant is present in population databases (rs200023748, gnomAD 0.008%). This variant has not been reported in the literature in individuals affected with KREMEN1-related conditions. ClinVar contains an entry for this variant (Variation ID: 2311905). Invitae Evidence Modeling of protein sequence and biophysical properties (such as structural, functional, and spatial information, amino acid conservation, physicochemical variation, residue mobility, and thermodynamic stability) indicates that this missense variant is expected to disrupt KREMEN1 protein function with a positive predictive value of 80%. Algorithms developed to predict the effect of sequence changes on RNA splicing suggest that this variant may disrupt the consensus splice site. In summary, the available evidence is currently insufficient to determine the role of this variant in disease. Therefore, it has been classified as a Variant of Uncertain Significance.

Ambry Genetics
Classification: Uncertain significance for Inborn genetic diseases. Last evaluated: 2022-10-27. Review status: criteria provided, single submitter. Criteria: Ambry Variant Classification Scheme 2023. Collection method: clinical testing. Allele origin: germline.
Comment: The c.461G>A (p.R154Q) alteration is located in exon 4 (coding exon 4) of the KREMEN1 gene. This alteration results from a G to A substitution at nucleotide position 461, causing the arginine (R) at amino acid position 154 to be replaced by a glutamine (Q). Based on data from gnomAD, the A allele has an overall frequency of 0.005% (15/281294) total alleles studied. The highest observed frequency was 0.009% (11/128750) of European (non-Finnish) alleles. This amino acid position is highly conserved in available vertebrate species. The in silico prediction for this alteration is inconclusive. Based on insufficient or conflicting evidence, the clinical significance of this alteration remains unclear.